The following is an entry in ClinVar:

ClinVar aggregate classification (germline): Uncertain significance (1 of 4 stars; one submission).

Conditions:
Autosomal dominant limb-girdle muscular dystrophy type 1D (DNAJB6) (LGMDD1). Also called: MUSCULAR DYSTROPHY, LIMB-GIRDLE, TYPE 1D; Autosomal dominant limb-girdle muscular dystrophy type 1D; Muscular dystrophy, limb-girdle, autosomal dominant 1; MUSCULAR DYSTROPHY, AUTOSOMAL DOMINANT, WITH RIMMED VACUOLES. Identifiers: Orphanet 34516, MedGen C4721885, MONDO:0021018, OMIM 603511.

Allele frequency attached by ClinVar (database versions not stated): gnomAD exomes below 0.00001.
gnomAD v4.1: 1 of 1,529,184 alleles (0.000065%); highest among the groups gnomAD compares: Non-Finnish European, 0.000088%; no homozygotes.

Submission:

Labcorp Genetics (formerly Invitae), Labcorp
Classification: Uncertain significance for Autosomal dominant limb-girdle muscular dystrophy type 1D (DNAJB6). Last evaluated: 2021-10-15. Review status: criteria provided, single submitter. Criteria: Invitae Variant Classification Sherloc (09022015). Collection method: clinical testing. Allele origin: germline.
Comment: This sequence change replaces alanine with serine at codon 298 of the DNAJB6 protein (p.Ala298Ser). The alanine residue is weakly conserved and there is a moderate physicochemical difference between alanine and serine. The frequency data for this variant in the population databases is considered unreliable, as metrics indicate insufficient coverage at this position in the ExAC database. In summary, the available evidence is currently insufficient to determine the role of this variant in disease. Therefore, it has been classified as a Variant of Uncertain Significance. Algorithms developed to predict the effect of missense changes on protein structure and function output the following: SIFT: "Tolerated"; PolyPhen-2: "Not Available"; Align-GVGD: "Class C0". The serine amino acid residue is found in multiple mammalian species, which suggests that this missense change does not adversely affect protein function. This variant has not been reported in the literature in individuals affected with DNAJB6-related conditions.

NM_058246.4(DNAJB6):c.892G>T (p.Ala298Ser)

Gene: DNAJB6 (DnaJ heat shock protein family (Hsp40) member B6; plus strand). Cytogenetic location: 7q36.3.
Variant type: single nucleotide variant.
Coding change: c.892G>T on transcript NM_058246.4 (MANE Select); coding-DNA position 892, G replaced by T.
Protein change: p.Ala298Ser; replaces alanine 298 with serine.
Molecular consequence: missense variant.
Genome position (GRCh38, 1-based): chr7:157,409,995, G>T. VCF-style: chr7-157409995-G-T. GRCh37 (hg19) VCF-style: chr7-157202689-G-T.
Other names: c.547G>T, p.Ala183Ser (NM_001363676.1); short protein forms A183S, A298S.
Identifiers: ClinVar variation 1439409 (VCV001439409.6), dbSNP rs1470950962, ClinGen allele CA370167542.
Genomic context (GRCh38, chr7:157,409,995, plus strand): 5'-GAGGAGGAGGGCGAGCAGGACCGACCTCGGGCACCCGGGCCCTGGGACCCCCTCGCGTCC[G>T]CAGCAGGTGTGCAAAGGGAGGCAGCCGTGGAGCAGGCGCAGAGTGAGACTTCTCTGGGTG-3'
Protein context (NP_490647.1, residues 288-308): APGPWDPLAS[Ala298Ser]AGLKEGGKRK